The following is an entry in ClinVar:

ClinVar aggregate classification (germline): Uncertain significance (1 of 4 stars; one submission).

gnomAD v4.1: 81 of 1,611,376 alleles (0.005%); highest among the groups gnomAD compares: Non-Finnish European, 0.0066%; no homozygotes.

Submission:

Labcorp Genetics (formerly Invitae), Labcorp
Classification: Uncertain significance. Last evaluated: 2025-10-11. Review status: criteria provided, single submitter. Criteria: Invitae Variant Classification Sherloc (09022015). Collection method: clinical testing. Allele origin: germline.
Comment: This sequence change replaces asparagine, which is neutral and polar, with aspartic acid, which is acidic and polar, at codon 119 of the RERE protein (p.Asn119Asp). This variant is present in population databases (rs141330922, gnomAD 0.007%). This variant has not been reported in the literature in individuals affected with RERE-related conditions. ClinVar contains an entry for this variant (Variation ID: 3716814). Invitae Evidence Modeling of protein sequence and biophysical properties (such as structural, functional, and spatial information, amino acid conservation, physicochemical variation, residue mobility, and thermodynamic stability) has been performed for this missense variant. However, the output from this modeling did not meet the statistical confidence thresholds required to predict the impact of this variant on RERE protein function. In summary, the available evidence is currently insufficient to determine the role of this variant in disease. Therefore, it has been classified as a Variant of Uncertain Significance.

NM_001042681.2(RERE):c.355A>G (p.Asn119Asp)

Gene: RERE (arginine-glutamic acid dipeptide repeats; minus strand). Cytogenetic location: 1p36.23.
Variant type: single nucleotide variant.
Coding change: c.355A>G on transcript NM_001042681.2 (MANE Select); coding-DNA position 355, A replaced by G.
Protein change: p.Asn119Asp; replaces asparagine 119 with aspartic acid.
Molecular consequence: missense variant.
Genome position (GRCh38, 1-based): chr1:8,624,351, T>C on the plus strand (A>G on the coding strand, the complement: RERE is on the minus strand). VCF-style: chr1-8624351-T-C. GRCh37 (hg19) VCF-style: chr1-8684410-T-C.
Other names: c.355A>G, p.Asn119Asp (NM_012102.4); short protein forms N119D.
Identifiers: ClinVar variation 3716814 (VCV003716814.2).